The following is an entry in ClinVar:

ClinVar aggregate classification (germline): Uncertain significance (1 of 4 stars; one submission).

Conditions:
Encephalopathy, acute, infection-induced (herpes-specific), susceptibility to, 1. Also called: Herpes simplex encephalitis, susceptibility to, 1. Identifiers: Orphanet 1930, MedGen C2750180, MONDO:0024563, OMIM 610551.

Allele frequency attached by ClinVar (database versions not stated): ESP Exome Variant Server 0.00008; TOPMed below 0.00001; gnomAD 0.00001.
gnomAD v4.1: 2 of 1,613,098 alleles (0.00012%); highest among the groups gnomAD compares: African/African-American, 0.0027%; no homozygotes.

Submission:

Labcorp Genetics (formerly Invitae), Labcorp
Classification: Uncertain significance for Encephalopathy, acute, infection-induced (herpes-specific), susceptibility to, 1. Last evaluated: 2022-08-19. Review status: criteria provided, single submitter. Criteria: Invitae Variant Classification Sherloc (09022015). Collection method: clinical testing. Allele origin: germline.
Comment: In summary, the available evidence is currently insufficient to determine the role of this variant in disease. Therefore, it has been classified as a Variant of Uncertain Significance. Algorithms developed to predict the effect of missense changes on protein structure and function are either unavailable or do not agree on the potential impact of this missense change (SIFT: "Deleterious"; PolyPhen-2: "Benign"; Align-GVGD: "Class C0"). This variant has not been reported in the literature in individuals affected with TLR3-related conditions. This variant is not present in population databases (gnomAD no frequency). This sequence change replaces lysine, which is basic and polar, with glutamine, which is neutral and polar, at codon 583 of the TLR3 protein (p.Lys583Gln).

NM_003265.3(TLR3):c.1747A>C (p.Lys583Gln)

Gene: TLR3 (toll like receptor 3; plus strand). Cytogenetic location: 4q35.1.
Variant type: single nucleotide variant.
Coding change: c.1747A>C on transcript NM_003265.3 (MANE Select); coding-DNA position 1747, A replaced by C.
Protein change: p.Lys583Gln; replaces lysine 583 with glutamine.
Molecular consequence: missense variant.
Genome position (GRCh38, 1-based): chr4:186,083,433, A>C. VCF-style: chr4-186083433-A-C. GRCh37 (hg19) VCF-style: chr4-187004587-A-C.
Other names: short protein forms K583Q.
Identifiers: ClinVar variation 1961630 (VCV001961630.5), dbSNP rs368882892, ClinGen allele CA112098456.
Genomic context (GRCh38, chr4:186,083,433, plus strand): 5'-CACCTCCACATCCTTAACTTGGAGTCCAACGGCTTTGACGAGATCCCAGTTGAGGTCTTC[A>C]AGGATTTATTTGAACTAAAGATCATCGATTTAGGATTGAATAATTTAAACACACTTCCAG-3'
Protein context (NP_003256.1, residues 573-593): GFDEIPVEVF[Lys583Gln]DLFELKIIDL